The following is an entry in ClinVar:

NM_001113491.2(SEPTIN9):c.512A>G (p.Lys171Arg)

Gene: SEPTIN9 (septin 9; plus strand). Cytogenetic location: 17q25.3.
Variant type: single nucleotide variant.
Coding change: c.512A>G on transcript NM_001113491.2 (MANE Select); coding-DNA position 512, A replaced by G.
Protein change: p.Lys171Arg; replaces lysine 171 with arginine.
Molecular consequence: missense variant.
Genome position (GRCh38, 1-based): chr17:77,402,494, A>G. VCF-style: chr17-77402494-A-G. GRCh37 (hg19) VCF-style: chr17-75398576-A-G.
Other names: c.20A>G, p.Lys7Arg (NM_001113492.2, NM_001113494.1); c.491A>G, p.Lys164Arg (NM_001113493.2); c.455A>G, p.Lys152Arg (NM_001293695.2); c.458A>G, p.Lys153Arg (NM_006640.5); short protein forms K164R, K7R, K153R, K152R, K171R.
Identifiers: ClinVar variation 2995154 (VCV002995154.3), dbSNP rs372055696, ClinGen allele CA294282895.

ClinVar aggregate classification (germline): Uncertain significance (1 of 4 stars; one submission).

Allele frequency attached by ClinVar (database versions not stated): gnomAD exomes below 0.00001; gnomAD 0.00001; TOPMed 0.00001; ESP Exome Variant Server 0.00008.
gnomAD v4.1: 4 of 1,603,242 alleles (0.00025%); highest among the groups gnomAD compares: Non-Finnish European, 0.00034%; no homozygotes.

Submission:

Labcorp Genetics (formerly Invitae), Labcorp
Classification: Uncertain significance. Last evaluated: 2023-12-04. Review status: criteria provided, single submitter. Criteria: Invitae Variant Classification Sherloc (09022015). Collection method: clinical testing. Allele origin: germline.
Comment: This sequence change replaces lysine, which is basic and polar, with arginine, which is basic and polar, at codon 153 of the SEPT9 protein (p.Lys153Arg). The frequency data for this variant in the population databases is considered unreliable, as metrics indicate poor data quality at this position in the gnomAD database. This variant has not been reported in the literature in individuals affected with SEPT9-related conditions. Advanced modeling of protein sequence and biophysical properties (such as structural, functional, and spatial information, amino acid conservation, physicochemical variation, residue mobility, and thermodynamic stability) performed at Invitae indicates that this missense variant is not expected to disrupt SEPT9 protein function with a negative predictive value of 80%. In summary, the available evidence is currently insufficient to determine the role of this variant in disease. Therefore, it has been classified as a Variant of Uncertain Significance.